The following is an entry in ClinVar:

ClinVar aggregate classification (germline): Likely pathogenic (1 of 4 stars; one submission).

Conditions:
Juvenile neuronal ceroid lipofuscinosis. Also called: Batten Disease. Identifiers: Orphanet 79264, MedGen CN293564, MONDO:0019262.

Submission:

Natera, Inc.
Classification: Likely pathogenic for Batten Disease. Last evaluated: 2024-03-15. Review status: criteria provided, single submitter. Criteria: Natera Variant Classification Schema (03/2026). Collection method: clinical testing. Allele origin: germline.
Comment: The c.732_735delAGCA variant in CLN3 is a frameshift variant predicted to shift the reading frame beginning at codon 245 and leads to a stop codon 9 codons downstream. This variant is expected to result in nonsense mediated decay, truncation, or a dysfunctional protein product. This variant is rare in the general population with a frequency below the threshold expected for the associated phenotype(s). Given the available evidence, this variant is classified as Likely Pathogenic.

NM_001042432.2(CLN3):c.732_735del (p.Ala245fs)

Gene: CLN3 (CLN3 lysosomal/endosomal transmembrane protein, battenin; minus strand). Cytogenetic location: 16p12.1.
Variant type: Deletion.
Coding change: c.732_735del on transcript NM_001042432.2 (MANE Select); coding-DNA positions 732 to 735, 4 bases deleted (AGCA; older notation c.732_735delAGCA).
Protein change: p.Ala245fs; shifts the reading frame from alanine 245.
Molecular consequence: frameshift variant.
Genome position (GRCh38, 1-based): chr16:28,484,061-28,484,064, TGCT deleted on the plus strand (AGCA on the coding strand, the reverse complement: CLN3 is on the minus strand); deleting any 4 consecutive bases within chr16:28,484,061-28,484,065 gives the same sequence; the c. name uses the placement nearest the transcript's 3' end. VCF-style (leftmost placement, unchanged base first): chr16-28484060-CTGCT-C. GRCh37 (hg19) VCF-style: chr16-28495381-CTGCT-C.
Other names: c.732_735delAGCA (NM_000086.2); c.732_735del, p.Ala245fs (NM_000086.2); c.660_663del, p.Ala221fs (NM_001286104.2); c.432_435del, p.Ala145fs (NM_001286105.2); c.498_501del, p.Ala167fs (NM_001286109.2); c.570_573del, p.Ala191fs (NM_001286110.2); short protein forms A145fs, A167fs, A191fs, A221fs, A245fs.
Identifiers: ClinVar variation 4817094 (VCV004817094.1).